The following is an entry in ClinVar:

ClinVar aggregate classification (germline): Uncertain significance (1 of 4 stars; one submission).

Allele frequency attached by ClinVar (database versions not stated): gnomAD exomes below 0.00001; TOPMed below 0.00001.
gnomAD v4.1: 1 of 1,612,888 alleles (0.000062%); highest among the groups gnomAD compares: Admixed American, 0.0017%; no homozygotes.

Submission:

Labcorp Genetics (formerly Invitae), Labcorp
Classification: Uncertain significance. Last evaluated: 2024-10-01. Review status: criteria provided, single submitter. Criteria: Invitae Variant Classification Sherloc (09022015). Collection method: clinical testing. Allele origin: germline.
Comment: This sequence change replaces threonine, which is neutral and polar, with alanine, which is neutral and non-polar, at codon 332 of the SLC12A2 protein (p.Thr332Ala). This variant is present in population databases (no rsID available, gnomAD 0.003%). This variant has not been reported in the literature in individuals affected with SLC12A2-related conditions. ClinVar contains an entry for this variant (Variation ID: 1990564). Invitae Evidence Modeling of protein sequence and biophysical properties (such as structural, functional, and spatial information, amino acid conservation, physicochemical variation, residue mobility, and thermodynamic stability) indicates that this missense variant is not expected to disrupt SLC12A2 protein function with a negative predictive value of 80%. In summary, the available evidence is currently insufficient to determine the role of this variant in disease. Therefore, it has been classified as a Variant of Uncertain Significance.

NM_001046.3(SLC12A2):c.994A>G (p.Thr332Ala)

Gene: SLC12A2 (solute carrier family 12 member 2; plus strand). Cytogenetic location: 5q23.3.
Variant type: single nucleotide variant.
Coding change: c.994A>G on transcript NM_001046.3 (MANE Select); coding-DNA position 994, A replaced by G.
Protein change: p.Thr332Ala; replaces threonine 332 with alanine.
Molecular consequence: missense variant. On other transcripts: non-coding transcript variant (1).
Genome position (GRCh38, 1-based): chr5:128,114,627, A>G. VCF-style: chr5-128114627-A-G. GRCh37 (hg19) VCF-style: chr5-127450319-A-G.
Other names: c.994A>G, p.Thr332Ala (NM_001256461.2); short protein forms T332A.
Identifiers: ClinVar variation 1990564 (VCV001990564.4), dbSNP rs1168784222, ClinGen allele CA360738561.